The following is an entry in ClinVar:

NM_015192.4(PLCB1):c.2916G>A (p.Lys972=)

Gene: PLCB1 (phospholipase C beta 1; plus strand). Cytogenetic location: 20p12.3.
Variant type: single nucleotide variant.
Coding change: c.2916G>A on transcript NM_015192.4 (MANE Select); coding-DNA position 2916, G replaced by A.
Protein change: p.Lys972=; no amino-acid change (lysine 972 retained).
Molecular consequence: synonymous variant.
Genome position (GRCh38, 1-based): chr20:8,765,344, G>A. VCF-style: chr20-8765344-G-A. GRCh37 (hg19) VCF-style: chr20-8745991-G-A.
Other names: c.2916G>A (NM_015192.3); c.2916G>A, p.Lys972= (NM_182734.3).
Identifiers: ClinVar variation 1109488 (VCV001109488.11), dbSNP rs751967802, ClinGen allele CA9760402.

ClinVar aggregate classification (germline): Likely benign. Review status: criteria provided, single submitter (1 of 4 stars). 2 submissions from 2 submitters: Likely benign (1). 1 of the submissions does not count toward it. Last evaluated 2024-08-13.

Conditions:
Developmental and epileptic encephalopathy, 12 (DEE12). Identifiers: MedGen C3150988, MONDO:0013389, OMIM 613722.
PLCB1-related disorder. Also called: PLCB1-related condition.

Allele frequency attached by ClinVar (database versions not stated): gnomAD exomes 0.00001 and 0.00002; ExAC 0.00002; gnomAD 0.00002 and 0.00003; TOPMed 0.00002.
gnomAD v4.1: 20 of 1,608,456 alleles (0.0012%); highest among the groups gnomAD compares: Non-Finnish European, 0.0015%; no homozygotes.

Submissions (2):

Labcorp Genetics (formerly Invitae), Labcorp
Classification: Likely benign for Developmental and epileptic encephalopathy, 12. Last evaluated: 2024-08-13. Review status: criteria provided, single submitter. Criteria: Invitae Variant Classification Sherloc (09022015). Collection method: clinical testing. Allele origin: germline.

PreventionGenetics, part of Exact Sciences
Classification: Likely benign for PLCB1-related condition. Last evaluated: 2019-03-29. Review status: no assertion criteria provided. Collection method: clinical testing. Allele origin: germline. Not counted in ClinVar's aggregate classification.
Comment: This variant is classified as likely benign based on ACMG/AMP sequence variant interpretation guidelines (Richards et al. 2015 PMID: 25741868, with internal and published modifications).